The following is an entry in ClinVar:

ClinVar aggregate classification (germline): Uncertain significance (1 of 4 stars; one submission).

Conditions:
Charcot-Marie-Tooth disease type 2. Also called: Charcot-Marie-Tooth type 2. Identifiers: Orphanet 64746, MedGen C0270914, MONDO:0018993.

Allele frequency attached by ClinVar (database versions not stated): ExAC 0.00001; gnomAD 0.00001.
gnomAD v4.1: 3 of 1,614,024 alleles (0.00019%); highest among the groups gnomAD compares: Non-Finnish European, 0.00025%; no homozygotes.

Submission:

Labcorp Genetics (formerly Invitae), Labcorp
Classification: Uncertain significance for Charcot-Marie-Tooth disease type 2. Last evaluated: 2023-09-06. Review status: criteria provided, single submitter. Criteria: Invitae Variant Classification Sherloc (09022015). Collection method: clinical testing. Allele origin: germline.
Comment: In summary, the available evidence is currently insufficient to determine the role of this variant in disease. Therefore, it has been classified as a Variant of Uncertain Significance. Advanced modeling of protein sequence and biophysical properties (such as structural, functional, and spatial information, amino acid conservation, physicochemical variation, residue mobility, and thermodynamic stability) performed at Invitae indicates that this missense variant is expected to disrupt AARS protein function. This variant has not been reported in the literature in individuals affected with AARS-related conditions. This variant is present in population databases (rs775974731, gnomAD 0.0009%). This sequence change replaces lysine, which is basic and polar, with asparagine, which is neutral and polar, at codon 486 of the AARS protein (p.Lys486Asn).

NM_001605.3(AARS1):c.1458G>C (p.Lys486Asn)

Gene: AARS1 (alanyl-tRNA synthetase 1; minus strand). Cytogenetic location: 16q22.1.
Variant type: single nucleotide variant.
Coding change: c.1458G>C on transcript NM_001605.3 (MANE Select); coding-DNA position 1458, G replaced by C.
Protein change: p.Lys486Asn; replaces lysine 486 with asparagine.
Molecular consequence: missense variant.
Genome position (GRCh38, 1-based): chr16:70,264,992, C>G on the plus strand (G>C on the coding strand, the complement: AARS1 is on the minus strand). VCF-style: chr16-70264992-C-G. GRCh37 (hg19) VCF-style: chr16-70298895-C-G.
Other names: short protein forms K486N.
Identifiers: ClinVar variation 2758511 (VCV002758511.3), dbSNP rs775974731, ClinGen allele CA8140810.
Genomic context (GRCh38, chr16:70,264,992, plus strand): 5'-GATGTGGAAGGAGCACAGCAACATACCATAGCTACCACTGGAGTCCAAATGGTAATTGTA[C>G]TTTGGGGAATCATCTGTGACCTCCAGACCCCGTGCCCGGAGCTCTTCGATAGCGTAAATG-3'
Protein context (NP_001596.2, residues 476-496): RGLEVTDDSP[Lys486Asn]YNYHLDSSGS